The following is an entry in ClinVar:

ClinVar aggregate classification (germline): Likely pathogenic (1 of 4 stars; one submission).

Conditions:
Wolcott-Rallison dysplasia. Also called: MED-IDDM SYNDROME; Wolcott-Rallison syndrome. Identifiers: Orphanet 1667, MedGen C0432217, MONDO:0009192, OMIM 226980.

Submission:

Baylor Genetics
Classification: Likely pathogenic for Wolcott-Rallison dysplasia. Last evaluated: 2019-11-06. Review status: criteria provided, single submitter. Criteria: ACMG Guidelines, 2015. Collection method: clinical testing. Allele origin: unknown. Affected: yes.
Comment: This variant was determined to be likely pathogenic according to ACMG Guidelines, 2015 [PMID:25741868].

NM_004836.7(EIF2AK3):c.1764-2A>G

Gene: EIF2AK3 (eukaryotic translation initiation factor 2 alpha kinase 3; minus strand). Cytogenetic location: 2p11.2.
Variant type: single nucleotide variant.
Coding change: c.1764-2A>G on transcript NM_004836.7 (MANE Select); the canonical splice acceptor site of the intron before coding-DNA position 1764, A replaced by G.
Molecular consequence: splice acceptor variant.
Genome position (GRCh38, 1-based): chr2:88,579,642, T>C on the plus strand (A>G on the coding strand, the complement: EIF2AK3 is on the minus strand). VCF-style: chr2-88579642-T-C. GRCh37 (hg19) VCF-style: chr2-88879160-T-C.
Other names: c.1311-2A>G (NM_001313915.2).
Identifiers: ClinVar variation 1028302 (VCV001028302.1), dbSNP rs1674549393, ClinGen allele CA347593934.
Genomic context (GRCh38, chr2:88,579,642, plus strand): 5'-AAACAACTCCAAAGCCACCACGTCCCAGGCATTGAATTGGCTCAAAATCAGTTAGATATC[T>C]TTAAAAAGAGATAAAATTTATAAAGGTTTGCAACAGTTTTAAATTTTGTGGTAATGTGAA-3'